The following is an entry in ClinVar:

ClinVar aggregate classification (germline): Uncertain significance (1 of 4 stars; one submission).

Conditions:
Familial hemiplegic migraine. Identifiers: MedGen C0338484, MONDO:0000700.

Submission:

Labcorp Genetics (formerly Invitae), Labcorp
Classification: Uncertain significance for Familial hemiplegic migraine. Last evaluated: 2022-10-04. Review status: criteria provided, single submitter. Criteria: Invitae Variant Classification Sherloc (09022015). Collection method: clinical testing. Allele origin: germline.
Comment: This variant is not present in population databases (gnomAD no frequency). In summary, the available evidence is currently insufficient to determine the role of this variant in disease. Therefore, it has been classified as a Variant of Uncertain Significance. Advanced modeling of protein sequence and biophysical properties (such as structural, functional, and spatial information, amino acid conservation, physicochemical variation, residue mobility, and thermodynamic stability) performed at Invitae indicates that this missense variant is not expected to disrupt ATP1A2 protein function. This variant has not been reported in the literature in individuals affected with ATP1A2-related conditions. This sequence change replaces glycine, which is neutral and non-polar, with aspartic acid, which is acidic and polar, at codon 208 of the ATP1A2 protein (p.Gly208Asp).

NM_000702.4(ATP1A2):c.623G>A (p.Gly208Asp)

Genes: ATP1A2 (ATPase Na+/K+ transporting subunit alpha 2; plus strand), LOC126805890 (CDK7 strongly-dependent group 2 enhancer GRCh37_chr1:160093987-160095186; plus strand). Cytogenetic location: 1q23.2.
Variant type: single nucleotide variant.
Coding change: c.623G>A on transcript NM_000702.4 (MANE Select); coding-DNA position 623, G replaced by A.
Protein change: p.Gly208Asp; replaces glycine 208 with aspartic acid.
Molecular consequence: missense variant.
Genome position (GRCh38, 1-based): chr1:160,124,423, G>A. VCF-style: chr1-160124423-G-A. GRCh37 (hg19) VCF-style: chr1-160094213-G-A.
Other names: short protein forms G208D.
Identifiers: ClinVar variation 2202400 (VCV002202400.4), dbSNP rs888077669, ClinGen allele CA343234178.